The following is an entry in ClinVar:

NM_000553.6(WRN):c.3941A>C (p.Lys1314Thr)

Gene: WRN (WRN RecQ like helicase; plus strand). Cytogenetic location: 8p12.
Variant type: single nucleotide variant.
Coding change: c.3941A>C on transcript NM_000553.6 (MANE Select); coding-DNA position 3941, A replaced by C.
Protein change: p.Lys1314Thr; replaces lysine 1314 with threonine.
Molecular consequence: missense variant.
Genome position (GRCh38, 1-based): chr8:31,157,489, A>C. VCF-style: chr8-31157489-A-C. GRCh37 (hg19) VCF-style: chr8-31015005-A-C.
Other names: short protein forms K1314T.
Identifiers: ClinVar variation 1003830 (VCV001003830.5), dbSNP rs1803433533, ClinGen allele CA370929550.

ClinVar aggregate classification (germline): Uncertain significance (1 of 4 stars; one submission).

Conditions:
Werner syndrome (WRN). Identifiers: Orphanet 902, MedGen C0043119, MONDO:0010196, OMIM 277700.

Submission:

Labcorp Genetics (formerly Invitae), Labcorp
Classification: Uncertain significance for Werner syndrome. Last evaluated: 2022-07-16. Review status: criteria provided, single submitter. Criteria: Invitae Variant Classification Sherloc (09022015). Collection method: clinical testing. Allele origin: germline.
Comment: In summary, the available evidence is currently insufficient to determine the role of this variant in disease. Therefore, it has been classified as a Variant of Uncertain Significance. Algorithms developed to predict the effect of missense changes on protein structure and function are either unavailable or do not agree on the potential impact of this missense change (SIFT: "Not Available"; PolyPhen-2: "Probably Damaging"; Align-GVGD: "Not Available"). ClinVar contains an entry for this variant (Variation ID: 1003830). This variant has not been reported in the literature in individuals affected with WRN-related conditions. This variant is not present in population databases (gnomAD no frequency). This sequence change replaces lysine, which is basic and polar, with threonine, which is neutral and polar, at codon 1314 of the WRN protein (p.Lys1314Thr).